The following is an entry in ClinVar:

NM_018192.4(P3H2):c.1855G>A (p.Glu619Lys)

Gene: P3H2 (prolyl 3-hydroxylase 2; minus strand). Cytogenetic location: 3q28.
Variant type: single nucleotide variant.
Coding change: c.1855G>A on transcript NM_018192.4 (MANE Select); coding-DNA position 1855, G replaced by A.
Protein change: p.Glu619Lys; replaces glutamic acid 619 with lysine.
Molecular consequence: missense variant.
Genome position (GRCh38, 1-based): chr3:189,970,854, C>T on the plus strand (G>A on the coding strand, the complement: P3H2 is on the minus strand). VCF-style: chr3-189970854-C-T. GRCh37 (hg19) VCF-style: chr3-189688643-C-T.
Other names: c.1312G>A, p.Glu438Lys (NM_001134418.2); short protein forms E438K, E619K.
Identifiers: ClinVar variation 934855 (VCV000934855.7), dbSNP rs777835320, ClinGen allele CA2752746.
Genomic context (GRCh38, chr3:189,970,854, plus strand): 5'-ATTCAAGAATAGGTTTACTTACAGTCACAGTCTTAGCATCCATCTCTGTGAATATGAATT[C>T]TCCTCCTTCAAAGTCATCATTCATATATAGGAGAGCACTATAAGAATGAAGAGAAAACTA-3'
Protein context (NP_060662.2, residues 609-629): LYMNDDFEGG[Glu619Lys]FIFTEMDAKT

ClinVar aggregate classification (germline): Uncertain significance. Review status: criteria provided, multiple submitters, no conflicts (2 of 4 stars). 3 submissions from 3 submitters: Uncertain significance (3). Last evaluated 2024-11-08.

Conditions:
Inborn genetic diseases. Identifiers: MedGen C0950123, MeSH D030342.

Allele frequency attached by ClinVar (database versions not stated): gnomAD 0.00001; gnomAD exomes 0.00001 and 0.00002; ExAC 0.00002; TOPMed 0.00002.
gnomAD v4.1: 14 of 1,592,058 alleles (0.00088%); highest among the groups gnomAD compares: Admixed American, 0.013%; no homozygotes.

Submissions (3):

Ambry Genetics
Classification: Uncertain significance for Inborn genetic diseases. Last evaluated: 2024-11-08. Review status: criteria provided, single submitter. Criteria: Ambry Variant Classification Scheme 2023. Collection method: clinical testing. Allele origin: germline.

Labcorp Genetics (formerly Invitae), Labcorp
Classification: Uncertain significance. Last evaluated: 2023-10-03. Review status: criteria provided, single submitter. Criteria: Invitae Variant Classification Sherloc (09022015). Collection method: clinical testing. Allele origin: germline.
Comment: This sequence change replaces glutamic acid, which is acidic and polar, with lysine, which is basic and polar, at codon 619 of the P3H2 protein (p.Glu619Lys). This variant is present in population databases (rs777835320, gnomAD 0.01%). This variant has not been reported in the literature in individuals affected with P3H2-related conditions. ClinVar contains an entry for this variant (Variation ID: 934855). Advanced modeling of protein sequence and biophysical properties (such as structural, functional, and spatial information, amino acid conservation, physicochemical variation, residue mobility, and thermodynamic stability) has been performed at Invitae for this missense variant, however the output from this modeling did not meet the statistical confidence thresholds required to predict the impact of this variant on P3H2 protein function. In summary, the available evidence is currently insufficient to determine the role of this variant in disease. Therefore, it has been classified as a Variant of Uncertain Significance.

Blueprint Genetics
Classification: Uncertain significance. Last evaluated: 2019-05-03. Review status: criteria provided, single submitter. Criteria: ACMG Guidelines, 2015. Collection method: clinical testing. Allele origin: germline.